The following is an entry in ClinVar:

NM_000405.5(GM2A):c.164C>T (p.Pro55Leu)

Gene: GM2A (ganglioside GM2 activator; plus strand). Cytogenetic location: 5q33.1.
Variant type: single nucleotide variant.
Coding change: c.164C>T on transcript NM_000405.5 (MANE Select); coding-DNA position 164, C replaced by T.
Protein change: p.Pro55Leu; replaces proline 55 with leucine.
Molecular consequence: missense variant.
Genome position (GRCh38, 1-based): chr5:151,259,837, C>T. VCF-style: chr5-151259837-C-T. GRCh37 (hg19) VCF-style: chr5-150639398-C-T.
Other names: c.164C>T, p.Pro55Leu (NM_001167607.3); short protein forms P55L.
Identifiers: ClinVar variation 183275 (VCV000183275.9), dbSNP rs730882196, ClinGen allele CA186039.

ClinVar aggregate classification (germline): Uncertain significance. Review status: criteria provided, multiple submitters, no conflicts (2 of 4 stars). 5 submissions from 4 submitters: Uncertain significance (2). 3 of the submissions do not count toward it. Last evaluated 2024-05-20.

Conditions:
Tay-Sachs disease, variant AB. Also called: GM2 Activator Deficiency; Gm2-gangliosidosis, ab variant. Identifiers: Orphanet 309246, MedGen C0268275, MONDO:0010099, OMIM 272750.
Neurodegenerative illness progressing to crippling dystonia and death with relentless cerebral atrophy.

Allele frequency attached by ClinVar (database versions not stated): ExAC 0.00001; gnomAD exomes below 0.00001.
gnomAD v4.1: 4 of 1,612,892 alleles (0.00025%); highest among the groups gnomAD compares: African/African-American, 0.0013%; no homozygotes.

Submissions (5):

Labcorp Genetics (formerly Invitae), Labcorp
Classification: Uncertain significance for Tay-Sachs disease, variant AB. Last evaluated: 2024-05-20. Review status: criteria provided, single submitter. Criteria: Invitae Variant Classification Sherloc (09022015). Collection method: clinical testing. Allele origin: germline.
Comment: This sequence change replaces proline, which is neutral and non-polar, with leucine, which is neutral and non-polar, at codon 55 of the GM2A protein (p.Pro55Leu). This variant is present in population databases (rs730882196, gnomAD no frequency). This missense change has been observed in individual(s) with features of GM2-gangliosidosis (PMID: 25558065, 26203402, 28417072, 33456446). In at least one individual the data is consistent with being in trans (on the opposite chromosome) from a pathogenic variant. ClinVar contains an entry for this variant (Variation ID: 183275). An algorithm developed to predict the effect of missense changes on protein structure and function (PolyPhen-2) suggests that this variant is likely to be disruptive. Studies have shown that this missense change alters GM2A gene expression (PMID: 28417072). In summary, the available evidence is currently insufficient to determine the role of this variant in disease. Therefore, it has been classified as a Variant of Uncertain Significance.

Genomic Medicine Center of Excellence, King Faisal Specialist Hospital and Research Centre
Classification: Uncertain significance for Tay-Sachs disease, variant AB. Last evaluated: 2024-03-17. Review status: criteria provided, single submitter. Criteria: ACMG Guidelines, 2015. Collection method: research. Allele origin: germline.

Biochemical Molecular Genetic Laboratory, King Abdulaziz Medical City
Classification: Likely pathogenic for Tay-Sachs disease, variant AB. Last evaluated: 2019-09-26. Review status: no assertion criteria provided. Collection method: clinical testing. Allele origin: germline. Affected: yes. Not counted in ClinVar's aggregate classification.

OMIM
Classification: Pathogenic for GM2-GANGLIOSIDOSIS, AB VARIANT. Last evaluated: 2016-10-21. Review status: no assertion criteria provided. Collection method: literature only. Allele origin: germline. Not counted in ClinVar's aggregate classification.

Genomic Medicine Center of Excellence, King Faisal Specialist Hospital and Research Centre
Classification: Likely pathogenic for Neurodegenerative illness progressing to crippling dystonia and death with relentless cerebral atrophy. Last evaluated: 2014-12-01. Review status: no assertion criteria provided. Criteria: research. Collection method: research. Allele origin: germline. Affected: yes. Not counted in ClinVar's aggregate classification.

Literature cited by the submitters: PubMed 25558065 (cited by Labcorp Genetics (formerly Invitae), Labcorp and Genomic Medicine Center of Excellence, King Faisal Specialist Hospital and Research Centre); PubMed 26203402 (cited by Labcorp Genetics (formerly Invitae), Labcorp and OMIM); PubMed 28417072 (cited by Labcorp Genetics (formerly Invitae), Labcorp); PubMed 33456446 (cited by Labcorp Genetics (formerly Invitae), Labcorp).